The following is an entry in ClinVar:

ClinVar aggregate classification (germline): Benign (1 of 4 stars; one submission).

Conditions:
POLD1-related polyposis and colorectal cancer syndrome (CRCS10). Also called: Colorectal cancer 10; COLORECTAL CANCER, SUSCEPTIBILITY TO, ON CHROMOSOME 19q; Colorectal cancer, susceptibility to, 10. Identifiers: Orphanet 220460, MedGen C2675481, MONDO:0012953, OMIM 612591.

Submission:

Myriad Genetics, Inc.
Classification: Benign for POLD1-related polyposis and colorectal cancer syndrome. Last evaluated: 2025-02-07. Review status: criteria provided, single submitter. Criteria: Myriad Autosomal Dominant, Autosomal Recessive and X-Linked Classification Criteria (2023). Collection method: clinical testing. Allele origin: unknown.
Comment: This variant is considered benign. This variant is a silent/synonymous amino acid change and it is not expected to impact splicing.

NM_002691.4(POLD1):c.1608_1611delinsAAGA (p.Ala536_Arg537=)

Gene: POLD1 (DNA polymerase delta 1, catalytic subunit; plus strand). Cytogenetic location: 19q13.33.
Variant type: Indel.
Coding change: c.1608_1611delinsAAGA on transcript NM_002691.4 (MANE Select); coding-DNA positions 1608 to 1611, GAGG replaced by AAGA.
Protein change: p.Ala536_Arg537=.
Molecular consequence: synonymous variant. On other transcripts: non-coding transcript variant (1).
Genome position (GRCh38, 1-based): chr19:50,407,096-50,407,099, GAGG replaced by AAGA. VCF-style: chr19-50407096-GAGG-AAGA. GRCh37 (hg19) VCF-style: chr19-50910353-GAGG-AAGA.
Other names: c.1608_1611delinsAAGA, p.Ala536_Arg537= (NM_001256849.1, NM_001308632.1).
Identifiers: ClinVar variation 3904143 (VCV003904143.1).
Genomic context (GRCh38, chr19:50,407,096, plus strand): 5'-CTACCTGCCACTGCGGCTGCTGGAGCGGCTCATGGTGCTGGTGAACGCCGTGGAGATGGC[GAGG>AAGA]GTCACTGGCGTGCCCCTCAGCTACCTGCTCAGTCGTGGCCAGCAGGTCAAGGTCGTATCC-3'